The following is an entry in ClinVar:

NM_031989.5(PCBP2):c.931C>T (p.Arg311Cys)

Gene: PCBP2 (poly(rC) binding protein 2; plus strand). Cytogenetic location: 12q13.13.
Variant type: single nucleotide variant.
Coding change: c.931C>T on transcript NM_031989.5 (MANE Select); coding-DNA position 931, C replaced by T.
Protein change: p.Arg311Cys; replaces arginine 311 with cysteine.
Molecular consequence: missense variant.
Genome position (GRCh38, 1-based): chr12:53,471,686, C>T. VCF-style: chr12-53471686-C-T. GRCh37 (hg19) VCF-style: chr12-53865470-C-T.
Other names: c.943C>T (NM_005016.5); c.838C>T, p.Arg280Cys (NM_001098620.3); c.940C>T, p.Arg314Cys (NM_001128911.2); c.928C>T, p.Arg310Cys (NM_001128912.2); c.850C>T, p.Arg284Cys (NM_001128913.2); c.799C>T, p.Arg267Cys (NM_001128914.2); c.943C>T, p.Arg315Cys (NM_005016.6); short protein forms R267C, R280C, R284C, R310C, R311C, R314C, R315C.
Identifiers: ClinVar variation 4879312 (VCV004879312.2).

ClinVar aggregate classification (germline): Uncertain significance. Review status: criteria provided, multiple submitters, no conflicts (2 of 4 stars). 2 submissions from 2 submitters: Uncertain significance (2). Last evaluated 2025-12-18.

Conditions:
PCBP2-related condition.

Submissions (2):

Clinical Genomics Laboratory, Washington University in St. Louis
Classification: Uncertain significance. Last evaluated: 2025-12-18. Review status: criteria provided, single submitter. Criteria: ACMG Guidelines, 2015. Collection method: clinical testing. Allele origin: germline.
Comment: The PCBP2 c.931C>T (p.Arg311Cys) variant, to our knowledge, has not been reported in the medical literature and is absent from the general population (gnomAD v2.1.1), indicating it is not a common variant. Computational predictors are uncertain as to the impact of this variant on PCBP2 function. Due to limited information, the clinical significance of this variant is uncertain.

PreventionGenetics, part of Exact Sciences
Classification: Uncertain significance for PCBP2-related condition. Last evaluated: 2024-10-17. Review status: criteria provided, single submitter. Criteria: ACMG Guidelines, 2015. Collection method: clinical testing. Allele origin: germline.
Comment: The PCBP2 c.943C>T variant is predicted to result in the amino acid substitution p.Arg315Cys. To our knowledge, this variant has not been reported in the literature or in a large population database (gnomAD), indicating this variant is rare. At this time, the clinical significance of this variant is uncertain due to the absence of conclusive functional and genetic evidence.